The following is an entry in ClinVar:

ClinVar aggregate classification (germline): Uncertain significance. Review status: criteria provided, single submitter (1 of 4 stars). 2 submissions from 2 submitters: Uncertain significance (1). 1 of the submissions does not count toward it. Last evaluated 2024-12-18.

Submissions (2):

Women's Health and Genetics/Laboratory Corporation of America, LabCorp
Classification: Uncertain significance. Last evaluated: 2024-12-18. Review status: criteria provided, single submitter. Criteria: LabCorp Variant Classification Summary - May 2015. Collection method: clinical testing. Allele origin: germline.
Comment: Variant summary: TYR c.707G>C (p.Trp236Ser) results in a non-conservative amino acid change in the encoded protein sequence. Five of five in-silico tools predict a damaging effect of the variant on protein function. The variant was absent in 251108 control chromosomes (gnomAD). c.707G>C has been reported in the literature in individuals affected with Oculocutaneous Albinism (Passmore_1999, Wei_2022). These data indicate that the variant may be associated with disease. To our knowledge, no experimental evidence demonstrating an impact on protein function has been reported. The following publications have been ascertained in the context of this evaluation (PMID: 10987646, 34838614). ClinVar contains an entry for this variant (Variation ID: 99577). Based on the evidence outlined above, the variant was classified as VUS-possibly pathogenic.

Retina International
No classification provided. Review status: no classification provided. Collection method: not provided. Allele origin: not provided. Not counted in ClinVar's aggregate classification.

Literature cited by the submitters: PubMed 34838614 (cited by Women's Health and Genetics/Laboratory Corporation of America, LabCorp); PubMed 10987646 (cited by Women's Health and Genetics/Laboratory Corporation of America, LabCorp).

NM_000372.5(TYR):c.707G>C (p.Trp236Ser)

Gene: TYR (tyrosinase; plus strand). Cytogenetic location: 11q14.3.
Variant type: single nucleotide variant.
Coding change: c.707G>C on transcript NM_000372.5 (MANE Select); coding-DNA position 707, G replaced by C.
Protein change: p.Trp236Ser; replaces tryptophan 236 with serine.
Molecular consequence: missense variant.
Genome position (GRCh38, 1-based): chr11:89,178,660, G>C. VCF-style: chr11-89178660-G-C. GRCh37 (hg19) VCF-style: chr11-88911828-G-C.
Other names: short protein forms W236S.
Identifiers: ClinVar variation 99577 (VCV000099577.2), dbSNP rs61754367, ClinGen allele CA227585.